The following is an entry in ClinVar:

NM_032043.3(BRIP1):c.3275C>T (p.Pro1092Leu)

Gene: BRIP1 (BRCA1 interacting DNA helicase 1; minus strand). Cytogenetic location: 17q23.2.
Variant type: single nucleotide variant.
Coding change: c.3275C>T on transcript NM_032043.3 (MANE Select); coding-DNA position 3275, C replaced by T.
Protein change: p.Pro1092Leu; replaces proline 1092 with leucine.
Molecular consequence: missense variant.
Genome position (GRCh38, 1-based): chr17:61,683,771, G>A on the plus strand (C>T on the coding strand, the complement: BRIP1 is on the minus strand). VCF-style: chr17-61683771-G-A. GRCh37 (hg19) VCF-style: chr17-59761132-G-A.
Other names: short protein forms P1092L.
Identifiers: ClinVar variation 136149 (VCV000136149.27), dbSNP rs587780830, ClinGen allele CA165900.
Genomic context (GRCh38, chr17:61,683,771, plus strand): 5'-TCTTCTTCACTTACTAGAGACAATTCAATGTCTGGATCCAGGGCTTCTTCAGAACAGAGC[G>A]GATGTTCAGAATGATTTTTTCTAGTAAGGGTGGCATCAATCTTTAATGATGAAATAATGG-3'
Protein context (NP_114432.2, residues 1082-1102): TLTRKNHSEH[Pro1092Leu]LCSEEALDPD

ClinVar aggregate classification (germline): Conflicting classifications of pathogenicity. Review status: criteria provided, conflicting classifications (1 of 4 stars). 10 submissions from 10 submitters: Uncertain significance (5); Likely benign (3). 2 of the submissions do not count toward it. Last evaluated 2025-12-10.

Conditions:
Ovarian cancer. Also called: OVARIAN CANCER, SOMATIC. Identifiers: Orphanet 213500, MedGen C1140680, MONDO:0008170, OMIM 167000.
Fanconi anemia complementation group J. Also called: BRIP1-Related Fanconi Anemia. Identifiers: Orphanet 84, MedGen C1836860, MONDO:0012187, OMIM 609054.
BRIP1-related disorder. Also called: BRIP1-related condition; BRIP1-related disorders. Identifiers: MedGen CN239206.
Hereditary cancer-predisposing syndrome. Also called: Tumor predisposition; Hereditary neoplastic syndrome; Hereditary Cancer Syndrome; Neoplastic Syndromes, Hereditary. Identifiers: Orphanet 140162, MedGen C0027672, MeSH D009386, MONDO:0015356.
Familial cancer of breast. Also called: Hereditary breast cancer; hereditary breast carcinoma; BREAST CANCER, FAMILIAL. Identifiers: Orphanet 227535, MedGen C0346153, MONDO:0016419, OMIM 114480. Disease mechanism: loss of function.
Breast-ovarian cancer, familial, susceptibility to, 1 (BROVCA1). Also called: BRCA1 Hereditary Breast and Ovarian Cancer; OVARIAN CANCER, SUSCEPTIBILITY TO. Identifiers: Orphanet 145, MedGen C2676676, MONDO:0011450, OMIM 604370. Disease mechanism: loss of function.

Allele frequency attached by ClinVar (database versions not stated): gnomAD 0.00001.
gnomAD v4.1: 27 of 1,614,010 alleles (0.0017%); highest among the groups gnomAD compares: Non-Finnish European, 0.0021%; no homozygotes.

Submissions (10):

Labcorp Genetics (formerly Invitae), Labcorp
Classification: Uncertain significance for Familial cancer of breast; Fanconi anemia complementation group J. Last evaluated: 2025-12-10. Review status: criteria provided, single submitter. Criteria: Invitae Variant Classification Sherloc (09022015). Collection method: clinical testing. Allele origin: germline.
Comment: This sequence change replaces proline, which is neutral and non-polar, with leucine, which is neutral and non-polar, at codon 1092 of the BRIP1 protein (p.Pro1092Leu). This variant is present in population databases (rs587780830, gnomAD 0.002%). This missense change has been observed in individual(s) with breast cancer (PMID: 26921362, 35264596). ClinVar contains an entry for this variant (Variation ID: 136149). Invitae Evidence Modeling of protein sequence and biophysical properties (such as structural, functional, and spatial information, amino acid conservation, physicochemical variation, residue mobility, and thermodynamic stability) indicates that this missense variant is not expected to disrupt BRIP1 protein function with a negative predictive value of 95%. In summary, the available evidence is currently insufficient to determine the role of this variant in disease. Therefore, it has been classified as a Variant of Uncertain Significance.

Women's Health and Genetics/Laboratory Corporation of America, LabCorp
Classification: Uncertain significance. Last evaluated: 2025-04-07. Review status: criteria provided, single submitter. Criteria: LabCorp Variant Classification Summary - May 2015. Collection method: clinical testing. Allele origin: germline.
Comment: Variant summary: BRIP1 c.3275C>T (p.Pro1092Leu) results in a non-conservative amino acid change in the encoded protein sequence. Four of five in-silico tools predict a benign effect of the variant on protein function. The variant allele was found at a frequency of 7.7e-06 in 261342 control chromosomes. The available data on variant occurrences in the general population are insufficient to allow any conclusion about variant significance. c.3275C>T has been reported in the literature in at least one individual affected with Breast Cancer (Easton_2016). This report does not provide unequivocal conclusions about association of the variant with Hereditary Breast And Ovarian Cancer Syndrome. To our knowledge, no experimental evidence demonstrating an impact on protein function has been reported. The following publication has been ascertained in the context of this evaluation (PMID: 26921362). ClinVar contains an entry for this variant (Variation ID: 136149). Based on the evidence outlined above, the variant was classified as uncertain significance.

Color Diagnostics, LLC DBA Color Health
Classification: Likely benign for Hereditary cancer-predisposing syndrome. Last evaluated: 2024-09-19. Review status: criteria provided, single submitter. Criteria: ACMG Guidelines, 2015. Collection method: clinical testing. Allele origin: germline.

Institute of Immunology and Genetics Kaiserslautern
Classification: Uncertain significance for Breast-ovarian cancer, familial, susceptibility to, 1. Last evaluated: 2024-07-02. Review status: criteria provided, single submitter. Criteria: ACMG Guidelines, 2015. Collection method: clinical testing. Allele origin: germline. Affected: yes.
Comment: ACMG Criteria: PM2_P, BP4; Variant was found in heterozygous state

Myriad Genetics, Inc.
Classification: Uncertain significance for Familial cancer of breast. Last evaluated: 2023-03-01. Review status: criteria provided, single submitter. Criteria: Myriad Autosomal Dominant, Autosomal Recessive and X-Linked Classification Criteria (2023). Collection method: clinical testing. Allele origin: unknown.
Comment: This variant is classified as a variant of uncertain significance as there is insufficient evidence to determine its impact on protein function and/or cancer risk.

Quest Diagnostics Nichols Institute San Juan Capistrano
Classification: Uncertain significance. Last evaluated: 2019-11-26. Review status: criteria provided, single submitter. Criteria: Quest Diagnostics criteria. Collection method: clinical testing. Allele origin: unknown.

Ambry Genetics
Classification: Likely benign for Hereditary cancer-predisposing syndrome. Last evaluated: 2019-02-21. Review status: criteria provided, single submitter. Criteria: Ambry Variant Classification Scheme 2023. Collection method: clinical testing. Allele origin: germline.

GeneDx
Classification: Likely benign. Last evaluated: 2017-11-01. Review status: criteria provided, single submitter. Criteria: GeneDx Variant Classification (06012015). Collection method: clinical testing. Allele origin: germline. Affected: yes.
Comment: This variant is considered likely benign or benign based on one or more of the following criteria: it is a conservative change, it occurs at a poorly conserved position in the protein, it is predicted to be benign by multiple in silico algorithms, and/or has population frequency not consistent with disease.

PreventionGenetics, part of Exact Sciences
Classification: Uncertain significance for BRIP1-related condition. Last evaluated: 2024-06-26. Review status: no assertion criteria provided. Collection method: clinical testing. Allele origin: germline. Not counted in ClinVar's aggregate classification.
Comment: The BRIP1 c.3275C>T variant is predicted to result in the amino acid substitution p.Pro1092Leu. This variant has been reported in an individual with breast cancer (Table S1, Easton et al. 2016. PubMed ID: 26921362). This variant is reported in 0.0018% of alleles in individuals of European (Non-Finnish) descent in gnomAD. This variant has conflicting interpretations regarding its pathogenicity in ClinVar, ranging from likely benign to uncertain. At this time, the clinical significance of this variant is uncertain due to the absence of conclusive functional and genetic evidence.

Counsyl
Classification: Uncertain significance for Fanconi anemia complementation group J; Ovarian cancer. Last evaluated: 2016-12-14. Review status: no assertion criteria provided. Collection method: clinical testing. Allele origin: unknown. Not counted in ClinVar's aggregate classification.

Literature cited by the submitters: PubMed 26921362 (cited by 4 submitters); PubMed 35264596 (cited by Labcorp Genetics (formerly Invitae), Labcorp).